The following is an entry in ClinVar:

NM_001923.5(DDB1):c.59C>T (p.Thr20Ile)

Gene: DDB1 (damage specific DNA binding protein 1; minus strand). Cytogenetic location: 11q12.2.
Variant type: single nucleotide variant.
Coding change: c.59C>T on transcript NM_001923.5 (MANE Select); coding-DNA position 59, C replaced by T.
Protein change: p.Thr20Ile; replaces threonine 20 with isoleucine.
Molecular consequence: missense variant.
Genome position (GRCh38, 1-based): chr11:61,332,910, G>A on the plus strand (C>T on the coding strand, the complement: DDB1 is on the minus strand). VCF-style: chr11-61332910-G-A. GRCh37 (hg19) VCF-style: chr11-61100382-G-A.
Other names: short protein forms T20I.
Identifiers: ClinVar variation 3348288 (VCV003348288.1).

ClinVar aggregate classification (germline): Uncertain significance (0 of 4 stars; one submission).

Conditions:
DDB1-related disorder. Also called: DDB1-related condition.

Submission:

PreventionGenetics, part of Exact Sciences
Classification: Uncertain significance for DDB1-related condition. Last evaluated: 2024-05-10. Review status: no assertion criteria provided. Collection method: clinical testing. Allele origin: germline.
Comment: The DDB1 c.59C>T variant is predicted to result in the amino acid substitution p.Thr20Ile. To our knowledge, this variant has not been reported in the literature or in a large population database, indicating this variant is rare. At this time, the clinical significance of this variant is uncertain due to the absence of conclusive functional and genetic evidence.